The following is an entry in ClinVar:

Single allele

Gene: DMD (dystrophin; minus strand). Cytogenetic location: Xp21.2-21.1.
Variant type: Duplication.
Identifiers: ClinVar variation 4682488 (VCV004682488.1).

ClinVar aggregate classification (germline): Pathogenic (1 of 4 stars; one submission).

Submission:

Athena Diagnostics
Classification: Pathogenic. Last evaluated: 2025-06-18. Review status: criteria provided, single submitter. Criteria: Athena Diagnostics Criteria. Collection method: clinical testing. Allele origin: unknown.
Comment: This variant is likely inserted in tandem within the DMD gene (PMID: 25640679) and, if so, would severely disrupt protein function. Duplication of the same exons has not been reported in large, multi-ethnic general populations. Similar duplication of exons 45-62 has been reported primarily in individuals with Duchenne muscular dystrophy (DMD) or in individuals where the type of dystrophinopathy was not specified, and in at least one individual with dilated cardiomyopathy.

Literature cited by the submitters: PubMed 15351422; PubMed 19367636; PubMed 21354051; PubMed 29511324; PubMed 31381525; PubMed 33101180; PubMed 31443951; PubMed 25972034; PubMed 28181689.